The following is an entry in ClinVar:

ClinVar aggregate classification (germline): Uncertain significance. Review status: criteria provided, multiple submitters, no conflicts (2 of 4 stars). 2 submissions from 2 submitters: Uncertain significance (2). Last evaluated 2024-10-02.

Conditions:
Gorlin syndrome. Also called: Nevoid Basal Cell Carcinoma Syndrome; Basal cell nevus syndrome. Identifiers: Orphanet 377, MedGen C0004779, MONDO:0007187.

gnomAD v4.1: 4 of 1,610,428 alleles (0.00025%); highest among the groups gnomAD compares: Admixed American, 0.005%; no homozygotes.

Submissions (2):

Labcorp Genetics (formerly Invitae), Labcorp
Classification: Uncertain significance for Gorlin syndrome. Last evaluated: 2024-10-02. Review status: criteria provided, single submitter. Criteria: Invitae Variant Classification Sherloc (09022015). Collection method: clinical testing. Allele origin: germline.
Comment: This sequence change falls in intron 5 of the PTCH2 gene. It does not directly change the encoded amino acid sequence of the PTCH2 protein. This variant is present in population databases (no rsID available, gnomAD 0.003%). This variant has not been reported in the literature in individuals affected with PTCH2-related conditions. ClinVar contains an entry for this variant (Variation ID: 862998). Algorithms developed to predict the effect of sequence changes on RNA splicing suggest that this variant may disrupt the consensus splice site. In summary, the available evidence is currently insufficient to determine the role of this variant in disease. Therefore, it has been classified as a Variant of Uncertain Significance.

Mendelics
Classification: Uncertain significance. Last evaluated: 2022-05-04. Review status: criteria provided, single submitter. Criteria: Mendelics Assertion Criteria 2019. Collection method: clinical testing. Allele origin: germline.

NM_003738.5(PTCH2):c.618-6C>A

Gene: PTCH2 (patched 2; minus strand). Cytogenetic location: 1p34.1.
Variant type: single nucleotide variant.
Coding change: c.618-6C>A on transcript NM_003738.5 (MANE Select); 6 bases into the intron before coding-DNA position 618, C replaced by A.
Molecular consequence: intron variant.
Genome position (GRCh38, 1-based): chr1:44,831,049, G>T on the plus strand (C>A on the coding strand, the complement: PTCH2 is on the minus strand). VCF-style: chr1-44831049-G-T. GRCh37 (hg19) VCF-style: chr1-45296721-G-T.
Other names: c.618-6C>A (NM_001166292.2).
Identifiers: ClinVar variation 862998 (VCV000862998.11), dbSNP rs924268501, ClinGen allele CA522809857.
Genomic context (GRCh38, chr1:44,831,049, plus strand): 5'-CTCCTCCAGCAGCTGCTCTGGATCCAGGTTGGTCCACTGGATATCCGGGCGGCCGCTGAG[G>T]GAAAAGCCTATAGTTGGTGAGGGTCAGGGACGAAAACCCAGGCTCCAAACTGCTGCTGGG-3'